The following is an entry in ClinVar:

NM_001278293.3(ARL6):c.361C>T (p.Arg121Cys)

Gene: ARL6 (ARF like GTPase 6; plus strand). Cytogenetic location: 3q11.2.
Variant type: single nucleotide variant.
Coding change: c.361C>T on transcript NM_001278293.3 (MANE Select); coding-DNA position 361, C replaced by T.
Protein change: p.Arg121Cys; replaces arginine 121 with cysteine.
Molecular consequence: missense variant. On other transcripts: non-coding transcript variant (7).
Genome position (GRCh38, 1-based): chr3:97,788,001, C>T. VCF-style: chr3-97788001-C-T. GRCh37 (hg19) VCF-style: chr3-97506845-C-T.
Other names: c.361C>T, p.Arg121Cys (NM_001323513.2, NM_001323514.2, NM_032146.5 and 1 more transcripts); short protein forms R121C.
Identifiers: ClinVar variation 624217 (VCV000624217.47), dbSNP rs202044896, ClinGen allele CA2505949.

ClinVar aggregate classification (germline): Conflicting classifications of pathogenicity. Review status: criteria provided, conflicting classifications (1 of 4 stars). 5 submissions from 5 submitters: Likely pathogenic (2); Uncertain significance (3). Last evaluated 2024-06-12.

Conditions:
Bardet-Biedl syndrome 3 (BBS3). Identifiers: Orphanet 110, MedGen C1859564, MONDO:0010832, OMIM 600151.
Retinitis pigmentosa 55 (RP55). Identifiers: Orphanet 791, MedGen C3150808, MONDO:0013312, OMIM 613575.
ARL6-related disorder. Also called: ARL6-related condition.
Retinal dystrophy. Also called: Inherited retinal dystrophy. Identifiers: Orphanet 71862, MedGen C0854723, MeSH D058499, MONDO:0019118, HP:0000556.

Allele frequency attached by ClinVar (database versions not stated): gnomAD 0.00001; gnomAD exomes 0.00001; TOPMed 0.00001; ExAC 0.00002; 1000 Genomes Project 30x 0.00016; 1000 Genomes Project 0.00020.
gnomAD v4.1: 20 of 1,613,048 alleles (0.0012%); highest among the groups gnomAD compares: Non-Finnish European, 0.0015%; no homozygotes.

Submissions (5):

Women's Health and Genetics/Laboratory Corporation of America, LabCorp
Classification: Uncertain significance. Last evaluated: 2024-06-12. Review status: criteria provided, single submitter. Criteria: LabCorp Variant Classification Summary - May 2015. Collection method: clinical testing. Allele origin: germline.
Comment: Variant summary: ARL6 c.361C>T (p.Arg121Cys) results in a non-conservative amino acid change located in the Small GTP-binding protein domain (IPR005225) of the encoded protein sequence. Five of five in-silico tools predict a damaging effect of the variant on protein function. The variant allele was found at a frequency of 1.2e-05 in 250636 control chromosomes. The available data on variant occurrences in the general population are insufficient to allow any conclusion about variant significance. To our knowledge, no occurrence of c.361C>T in individuals affected with Bardet-Biedl Syndrome and no experimental evidence demonstrating its impact on protein function have been reported. ClinVar contains an entry for this variant (Variation ID: 624217). Based on the evidence outlined above, the variant was classified as uncertain significance.

Blueprint Genetics
Classification: Likely pathogenic for ARL6-related disorders. Last evaluated: 2023-09-04. Review status: criteria provided, single submitter. Criteria: ACMG Guidelines, 2015. Collection method: clinical testing. Allele origin: germline. Affected: yes. Observed: 5 variant alleles.

Labcorp Genetics (formerly Invitae), Labcorp
Classification: Uncertain significance for Retinitis pigmentosa 55; Bardet-Biedl syndrome 3. Last evaluated: 2021-08-20. Review status: criteria provided, single submitter. Criteria: Invitae Variant Classification Sherloc (09022015). Collection method: clinical testing. Allele origin: germline.
Comment: This sequence change replaces arginine with cysteine at codon 121 of the ARL6 protein (p.Arg121Cys). The arginine residue is moderately conserved and there is a large physicochemical difference between arginine and cysteine. This variant is present in population databases (rs202044896, ExAC 0.005%). This variant has not been reported in the literature in individuals affected with ARL6-related conditions. ClinVar contains an entry for this variant (Variation ID: 624217). Algorithms developed to predict the effect of missense changes on protein structure and function are either unavailable or do not agree on the potential impact of this missense change (SIFT: "Deleterious"; PolyPhen-2: "Benign"; Align-GVGD: "Class C0"). In summary, the available evidence is currently insufficient to determine the role of this variant in disease. Therefore, it has been classified as a Variant of Uncertain Significance.

CeGaT Center for Human Genetics Tuebingen
Classification: Uncertain significance. Last evaluated: 2018-06-01. Review status: criteria provided, single submitter. Criteria: CeGaT Center For Human Genetics Tuebingen Variant Classification Criteria Version 2. Collection method: clinical testing. Allele origin: germline. Affected: yes. Observed: 1 variant allele.

Institute of Human Genetics, Univ. Regensburg, Univ. Regensburg
Classification: Likely pathogenic for Retinal dystrophy. Last evaluated: 2018-01-01. Review status: criteria provided, single submitter. Criteria: ACMG Guidelines, 2015. Collection method: clinical testing. Allele origin: germline. Affected: yes.

Literature cited by the submitters: PubMed 33090715 (cited by Institute of Human Genetics, Univ. Regensburg, Univ. Regensburg).